The following is an entry in ClinVar:

ClinVar aggregate classification (germline): Conflicting classifications of pathogenicity. Review status: criteria provided, conflicting classifications (1 of 4 stars). 2 submissions from 2 submitters: Uncertain significance (1); Likely benign (1). Last evaluated 2026-07-30.

Conditions:
Hereditary cancer-predisposing syndrome. Also called: Tumor predisposition; Hereditary Cancer Syndrome; Hereditary neoplastic syndrome; Neoplastic Syndromes, Hereditary. Identifiers: Orphanet 140162, MedGen C0027672, MeSH D009386, MONDO:0015356.
Renal cell carcinoma. Identifiers: Orphanet 217071, MedGen C0007134, MeSH D002292, MONDO:0005086, HP:0005584.

Submissions (2):

Ambry Genetics
Classification: Likely benign for Hereditary cancer-predisposing syndrome. Last evaluated: 2026-07-30. Review status: criteria provided, single submitter. Criteria: Ambry Variant Classification Scheme 2023. Collection method: clinical testing. Allele origin: germline.

Labcorp Genetics (formerly Invitae), Labcorp
Classification: Uncertain significance for Renal cell carcinoma. Last evaluated: 2020-03-19. Review status: criteria provided, single submitter. Criteria: Invitae Variant Classification Sherloc (09022015). Collection method: clinical testing. Allele origin: germline.
Comment: In summary, the available evidence is currently insufficient to determine the role of this variant in disease. Therefore, it has been classified as a Variant of Uncertain Significance. Algorithms developed to predict the effect of missense changes on protein structure and function output the following: SIFT: "Tolerated"; PolyPhen-2: "Benign"; Align-GVGD: "Class C0". The valine amino acid residue is found in multiple mammalian species, suggesting that this missense change does not adversely affect protein function. These predictions have not been confirmed by published functional studies and their clinical significance is uncertain. This variant has not been reported in the literature in individuals with MET-related conditions. This variant is not present in population databases (ExAC no frequency). This sequence change replaces leucine with valine at codon 64 of the MET protein (p.Leu64Val). The leucine residue is weakly conserved and there is a small physicochemical difference between leucine and valine.

NM_000245.4(MET):c.190C>G (p.Leu64Val)

Gene: MET (MET proto-oncogene, receptor tyrosine kinase; plus strand). Cytogenetic location: 7q31.2.
Variant type: single nucleotide variant.
Coding change: c.190C>G on transcript NM_000245.4 (MANE Select); coding-DNA position 190, C replaced by G.
Protein change: p.Leu64Val; replaces leucine 64 with valine.
Molecular consequence: missense variant. On other transcripts: intron variant (1).
Genome position (GRCh38, 1-based): chr7:116,699,274, C>G. VCF-style: chr7-116699274-C-G. GRCh37 (hg19) VCF-style: chr7-116339328-C-G.
Other names: c.190C>G, p.Leu64Val (NM_001127500.3, NM_001324401.3); c.-91+26697C>G (NM_001324402.2); short protein forms L64V.
Identifiers: ClinVar variation 1040526 (VCV001040526.12), dbSNP rs1791466070, ClinGen allele CA368968533.